The following is an entry in ClinVar:

NM_033380.3(COL4A5):c.5057T>G (p.Val1686Gly)

Gene: COL4A5 (collagen type IV alpha 5 chain; plus strand). Cytogenetic location: Xq22.3.
Variant type: single nucleotide variant.
Coding change: c.5057T>G on transcript NM_033380.3 (MANE Select); coding-DNA position 5057, T replaced by G.
Protein change: p.Val1686Gly; replaces valine 1686 with glycine.
Molecular consequence: missense variant.
Genome position (GRCh38, 1-based): chrX:108,696,359, T>G. VCF-style: chrX-108696359-T-G. GRCh37 (hg19) VCF-style: chrX-107939589-T-G.
Other names: c.5039T>G, p.Val1680Gly (NM_000495.5); short protein forms V1680G, V1686G.
Identifiers: ClinVar variation 3346340 (VCV003346340.1).
Genomic context (GRCh38, chrX:108,696,359, plus strand): 5'-AACCTCAGTCAGAAACGCTGAAAGCAGGAGACTTGAGGACACGAATTAGCCGATGTCAAG[T>G]GTGCATGAAGAGGACATAACATTTTGAAGAATTCCTTTTGTGTTTTAAAATGTGATATAT-3'
Protein context (NP_203699.1, residues 1676-1691): DLRTRISRCQ[Val1686Gly]CMKRT

ClinVar aggregate classification (germline): Uncertain significance (0 of 4 stars; one submission).

Conditions:
COL4A5-related disorder. Also called: COL4A5-related condition.

Submission:

PreventionGenetics, part of Exact Sciences
Classification: Uncertain significance for COL4A5-related condition. Last evaluated: 2024-08-21. Review status: no assertion criteria provided. Collection method: clinical testing. Allele origin: germline.
Comment: The COL4A5 c.5039T>G variant is predicted to result in the amino acid substitution p.Val1680Gly. To our knowledge, this variant has not been reported in the literature or in a large population database, indicating this variant is rare. Of note, this variant is located at the last exon of the gene and the missense variants affecting the highly conserved collagen IV α5 carboxy non-collagenous domain have been widely reported in individuals with X-linked Alport syndrome (see for example, Gibson et al. 2022. PubMed ID: 35789182; p.Gln1679Pro in Supplemental Table S1 of Wang et al. 2012. PubMed ID: 22921432; p.Cys1681Gly in Weber et al. 2016. PubMed ID: 26809805). Although we suspect that the c.5039T>G (p.Val1680Gly) variant may be pathogenic, at this time, the clinical significance of this variant is uncertain due to the absence of conclusive functional and genetic evidence.